The following is an entry in ClinVar:

ClinVar aggregate classification (germline): Benign/Likely benign. Review status: criteria provided, multiple submitters, no conflicts (2 of 4 stars). 5 submissions from 5 submitters: Benign (1); Likely benign (4). Last evaluated 2026-01-24.

Conditions:
Inborn genetic diseases. Identifiers: MedGen C0950123, MeSH D030342.
DNM2-related disorder. Also called: DNM2-related condition.
Charcot-Marie-Tooth disease dominant intermediate B (CMTDIB). Also called: CHARCOT-MARIE-TOOTH NEUROPATHY, DOMINANT INTERMEDIATE B; Charcot-Marie-Tooth disease dominant intermediate 1; CMT DI1; Charcot-Marie-Tooth disease dominant intermediate I. Identifiers: Orphanet 100044, Orphanet 228179, MedGen C1847902, MONDO:0011674, OMIM 606482.

Allele frequency attached by ClinVar (database versions not stated): gnomAD exomes 0.00007 and 0.00019; ExAC 0.00028; 1000 Genomes Project 0.00060; 1000 Genomes Project 30x 0.00062; gnomAD 0.00072 and 0.00078; TOPMed 0.00088; ESP Exome Variant Server 0.00092.
gnomAD v4.1: 210 of 1,611,902 alleles (0.013%); highest among the groups gnomAD compares: African/African-American, 0.25%; no homozygotes.

Submissions (5):

Labcorp Genetics (formerly Invitae), Labcorp
Classification: Benign for Charcot-Marie-Tooth disease dominant intermediate B. Last evaluated: 2026-01-24. Review status: criteria provided, single submitter. Criteria: Invitae Variant Classification Sherloc (09022015). Collection method: clinical testing. Allele origin: germline.

PreventionGenetics, part of Exact Sciences
Classification: Likely benign for DNM2-related condition. Last evaluated: 2025-05-29. Review status: criteria provided, single submitter. Criteria: ACMG Guidelines, 2015. Collection method: clinical testing. Allele origin: germline.
Comment: This variant is classified as likely benign based on ACMG/AMP sequence variant interpretation guidelines (Richards et al. 2015 PMID: 25741868, with internal and published modifications).

Mayo Clinic Laboratories, Mayo Clinic
Classification: Likely benign. Last evaluated: 2025-05-16. Review status: criteria provided, single submitter. Criteria: ACMG Guidelines, 2015. Collection method: clinical testing. Allele origin: germline. Observed: 3 variant alleles.
Comment: BS1, BP4

GeneDx
Classification: Likely benign. Last evaluated: 2021-06-03. Review status: criteria provided, single submitter. Criteria: GeneDx Variant Classification Process June 2021. Collection method: clinical testing. Allele origin: germline. Affected: yes.

Ambry Genetics
Classification: Likely benign for Inborn genetic diseases. Last evaluated: 2020-01-21. Review status: criteria provided, single submitter. Criteria: Ambry Variant Classification Scheme 2023. Collection method: clinical testing. Allele origin: germline.

NM_001005361.3(DNM2):c.2059-5C>T

Genes: DNM2 (dynamin 2; plus strand), MIR6793 (microRNA 6793; plus strand). Cytogenetic location: 19p13.2.
Variant type: single nucleotide variant.
Coding change: c.2059-5C>T on transcript NM_001005361.3 (MANE Select); 5 bases into the intron before coding-DNA position 2059, C replaced by T.
Molecular consequence: intron variant. On other transcripts: non-coding transcript variant (1).
Genome position (GRCh38, 1-based): chr19:10,829,031, C>T. VCF-style: chr19-10829031-C-T. GRCh37 (hg19) VCF-style: chr19-10939707-C-T.
Other names: p.?; c.2059-5C>T (NM_001005360.3, NM_001190716.2); c.2047-5C>T (NM_004945.4, NM_001005362.3).
Identifiers: ClinVar variation 509375 (VCV000509375.18), dbSNP rs377150057, ClinGen allele CA9201515.